The following is an entry in ClinVar:

NM_000536.4(RAG2):c.854T>G (p.Met285Arg)

Gene: RAG2 (recombination activating 2; minus strand). Cytogenetic location: 11p12.
Variant type: single nucleotide variant.
Coding change: c.854T>G on transcript NM_000536.4 (MANE Select); coding-DNA position 854, T replaced by G.
Protein change: p.Met285Arg; replaces methionine 285 with arginine.
Molecular consequence: missense variant.
Genome position (GRCh38, 1-based): chr11:36,593,315, A>C on the plus strand (T>G on the coding strand, the complement: RAG2 is on the minus strand). VCF-style: chr11-36593315-A-C. GRCh37 (hg19) VCF-style: chr11-36614865-A-C.
Other names: c.854T>G, p.Met285Arg (NM_001243785.2, NM_001243786.2); short protein forms M285R.
Identifiers: ClinVar variation 13132 (VCV000013132.5), dbSNP rs121917896, ClinGen allele CA122859.

ClinVar aggregate classification (germline): Likely pathogenic. Review status: criteria provided, multiple submitters, no conflicts (2 of 4 stars). 3 submissions from 3 submitters: Likely pathogenic (2). 1 of the submissions does not count toward it. Last evaluated 2025-01-31.

Conditions:
Recombinase activating gene 2 deficiency. Also called: RAG2 deficiency. Identifiers: MedGen CN257931, MONDO:0000573.
Inborn error of immunity. Also called: Primary immunodeficiency; Inborn errors of immunity. Identifiers: Orphanet 101997, MedGen C0398686, MONDO:0003778.
Histiocytic medullary reticulosis. Also called: SEVERE COMBINED IMMUNODEFICIENCY WITH HYPEREOSINOPHILIA; Omenn syndrome. Identifiers: Orphanet 39041, MedGen C2700553, MONDO:0011338, OMIM 603554.
Severe combined immunodeficiency disease. Also called: Severe Combined Immune Deficiency; Severe combined immunodeficiency. Identifiers: Orphanet 183660, MedGen C0085110, MeSH D016511, MONDO:0015974, HP:0004430. Inheritance: X-Linked or Autosomal recessive.

Submissions (3):

Women's Health and Genetics/Laboratory Corporation of America, LabCorp
Classification: Likely pathogenic for Severe combined immunodeficiency disease. Last evaluated: 2025-01-31. Review status: criteria provided, single submitter. Criteria: LabCorp Variant Classification Summary - May 2015. Collection method: clinical testing. Allele origin: germline.
Comment: Variant summary: RAG2 c.854T>G (p.Met285Arg) results in a non-conservative amino acid change located in the Recombination activating protein 2 (IPR004321) of the encoded protein sequence. Five of five in-silico tools predict a damaging effect of the variant on protein function. The variant was absent in 251344 control chromosomes. c.854T>G has been reported in the literature in individuals affected with Severe Combined Immunodeficiency (Tirosh_2019, Villa_1998). These data indicate that the variant may be associated with disease. At least one publication reports experimental evidence evaluating an impact on protein function. The most pronounced variant effect results in 25% of recombination activity compared to WT. The following publications have been ascertained in the context of this evaluation (PMID: 29772310, 9630231). ClinVar contains an entry for this variant (Variation ID: 13132). Based on the evidence outlined above, the variant was classified as likely pathogenic.

Pediatric Immunology Service, The Chaim Sheba Medical Center at Tel HaShomer
Classification: Likely pathogenic for RAG2 deficiency; Primary immunodeficiency; Omenn syndrome. Last evaluated: 2018-03-06. Review status: criteria provided, single submitter. Criteria: ACMG Guidelines, 2015. Collection method: research. Allele origin: germline. Affected: yes.

OMIM
Classification: Pathogenic for OMENN SYNDROME. Last evaluated: 1998-05-29. Review status: no assertion criteria provided. Collection method: literature only. Allele origin: germline. Not counted in ClinVar's aggregate classification.

Literature cited by the submitters: PubMed 9630231 (cited by Women's Health and Genetics/Laboratory Corporation of America, LabCorp and OMIM); PubMed 8617299 (cited by Women's Health and Genetics/Laboratory Corporation of America, LabCorp); PubMed 10891502 (cited by Women's Health and Genetics/Laboratory Corporation of America, LabCorp); PubMed 11908269 (cited by Women's Health and Genetics/Laboratory Corporation of America, LabCorp); PubMed 10635319 (cited by Women's Health and Genetics/Laboratory Corporation of America, LabCorp); PubMed 10777560 (cited by Women's Health and Genetics/Laboratory Corporation of America, LabCorp); PubMed 11133745 (cited by Women's Health and Genetics/Laboratory Corporation of America, LabCorp and Pediatric Immunology Service, The Chaim Sheba Medical Center at Tel HaShomer); PubMed 29772310 (cited by Women's Health and Genetics/Laboratory Corporation of America, LabCorp).